The following is an entry in ClinVar:

NM_001130969.3(NSMF):c.277G>A (p.Ala93Thr)

Gene: NSMF (NMDA receptor synaptonuclear signaling and neuronal migration factor; minus strand). Cytogenetic location: 9q34.3.
Variant type: single nucleotide variant.
Coding change: c.277G>A on transcript NM_001130969.3 (MANE Select); coding-DNA position 277, G replaced by A.
Protein change: p.Ala93Thr; replaces alanine 93 with threonine.
Molecular consequence: missense variant.
Genome position (GRCh38, 1-based): chr9:137,457,758, C>T on the plus strand (G>A on the coding strand, the complement: NSMF is on the minus strand). VCF-style: chr9-137457758-C-T. GRCh37 (hg19) VCF-style: chr9-140352210-C-T.
Other names: c.277G>A, p.Ala93Thr (NM_001130970.2, NM_001130971.2, NM_001178064.2 and 1 more transcripts); short protein forms A93T.
Identifiers: ClinVar variation 981143 (VCV000981143.2).
Genomic context (GRCh38, chr9:137,457,758, plus strand): 5'-TGGGCAGCAGGGCAGGCTCCCCAGAGATGGTGTACACTCGAGGCTGAGGGCCCTCGCCTG[C>T]GGGCTTCCTAATGCTGGGCTCCTCTGAGAGGCTGCCCTCGTAGCAGCCGTTGGAGACGAG-3'
Protein context (NP_001124441.1, residues 83-103): LSEEPSIRKP[Ala93Thr]GEGPQPRVYT

ClinVar aggregate classification (germline): Uncertain significance (1 of 4 stars; one submission).

gnomAD v4.1: 43 of 1,559,536 alleles (0.0028%); highest among the groups gnomAD compares: Middle Eastern, 0.017%; no homozygotes.

Submission:

Labcorp Genetics (formerly Invitae), Labcorp
Classification: Uncertain significance. Last evaluated: 2024-10-08. Review status: criteria provided, single submitter. Criteria: Invitae Variant Classification Sherloc (09022015). Collection method: clinical testing. Allele origin: germline.
Comment: This sequence change replaces alanine, which is neutral and non-polar, with threonine, which is neutral and polar, at codon 93 of the NSMF protein (p.Ala93Thr). The frequency data for this variant in the population databases is considered unreliable, as metrics indicate poor data quality at this position in the gnomAD database. This variant has not been reported in the literature in individuals affected with NSMF-related conditions. Invitae Evidence Modeling of protein sequence and biophysical properties (such as structural, functional, and spatial information, amino acid conservation, physicochemical variation, residue mobility, and thermodynamic stability) indicates that this missense variant is not expected to disrupt NSMF protein function with a negative predictive value of 80%. In summary, the available evidence is currently insufficient to determine the role of this variant in disease. Therefore, it has been classified as a Variant of Uncertain Significance.